The following is an entry in ClinVar:

NM_000044.6(AR):c.1786T>C (p.Cys596Arg)

Gene: AR (androgen receptor; plus strand). Cytogenetic location: Xq12.
Variant type: single nucleotide variant.
Coding change: c.1786T>C on transcript NM_000044.6 (MANE Select); coding-DNA position 1786, T replaced by C.
Protein change: p.Cys596Arg; replaces cysteine 596 with arginine.
Molecular consequence: missense variant.
Genome position (GRCh38, 1-based): chrX:67,686,027, T>C. VCF-style: chrX-67686027-T-C. GRCh37 (hg19) VCF-style: chrX-66905869-T-C.
Other names: c.190T>C, p.Cys64Arg (NM_001011645.3); c.1786T>C, p.Cys596Arg (NM_001348061.1, NM_001348063.1); c.1703T>C, p.Val568Ala (NM_001348064.1); short protein forms C596R, V568A, C64R.
Identifiers: ClinVar variation 4294427 (VCV004294427.1).

ClinVar aggregate classification (germline): Likely pathogenic (1 of 4 stars; one submission).

Conditions:
Androgen resistance syndrome (AIS). Also called: Androgen insensitivity syndrome due to coactivator deficiency; Androgen insensitivity; DHTR DEFICIENCY; ANDROGEN RECEPTOR DEFICIENCY; DIHYDROTESTOSTERONE RECEPTOR DEFICIENCY; TESTICULAR FEMINIZATION SYNDROME. Identifiers: Orphanet 754, Orphanet 99429, MedGen C0039585, MONDO:0019154, OMIM 300068. Disease mechanism: loss of function.

Submission:

Molecular Genetics Department, Kulakov National Medical Research Center for Obstetrics, Gynecology and Perinatology
Classification: Likely pathogenic for Androgen resistance syndrome. Review status: criteria provided, single submitter. Criteria: ACMG Guidelines, 2015. Collection method: clinical testing. Allele origin: de novo. Affected: yes. Observed: 1 variant allele.
Comment: Hemizygous variants are reported in patients with androgen insensitivity, 300068. Heterozygous variants are reported in patients with Klinefelter syndrome and androgen insensitivity [Girardin et al., 2009, PMID: 19732585; Jethwani et al., 2022, 10.4103/2230-8210.363705]. Another hemizygous variant resulting in an amino acid substitution at the same position (p.Cys596Tyr) has been reported as having arisen de novo in patient with androgen insensitivity [Hu et al., 2018, PMID: 29095814]. The variant is not present in population database (gnomAD no frequency). In summary, the currently available evidence indicates that the variant is pathogenic, but additional data are needed to prove that conclusively. Therefore, this variant has been classified as likely pathogenic.

Literature cited by the submitters: PubMed 29095814.